The following is an entry in ClinVar:

ClinVar aggregate classification (germline): Likely pathogenic (1 of 4 stars; one submission).

Conditions:
Neurodevelopmental disorder with seizures, microcephaly, and brain abnormalities (NEDSMBA). Identifiers: MedGen C5774209, MONDO:0859283, OMIM 620024.

Submission:

Juno Genomics, Hangzhou Juno Genomics, Inc
Classification: Likely pathogenic for Neurodevelopmental disorder with seizures, microcephaly, and brain abnormalities. Review status: criteria provided, single submitter. Criteria: ACMG Guidelines, 2015. Collection method: clinical testing. Allele origin: germline.
Comment: Null variant in a gene where loss of function (LOF) is a known mechanism of disease.;Absent from controls (or at extremely low frequency if recessive) in Genome Aggregation Database.

NM_003622.4(PPFIBP1):c.1612del (p.Thr537_Leu538insTer)

Gene: PPFIBP1 (PPFIB scaffold protein 1; plus strand). Cytogenetic location: 12p11.22.
Variant type: Deletion.
Coding change: c.1612del on transcript NM_003622.4 (MANE Select); coding-DNA position 1612, one base deleted (C; older notation c.1612delC).
Protein change: p.Thr537_Leu538insTer.
Molecular consequence: nonsense. On other transcripts: intron variant (3).
Genome position (GRCh38, 1-based): chr12:27,677,093, C deleted; the last of 3 consecutive C bases (chr12:27,677,091-27,677,093); deleting any one gives the same sequence. VCF-style (leftmost placement, unchanged base first): chr12-27677090-AC-A. GRCh37 (hg19) VCF-style: chr12-27830023-AC-A.
Other names: c.1633+494del (NM_177444.3); c.1540+494del (NM_001198916.2); c.1174+494del (NM_001198915.2).
Identifiers: ClinVar variation 5005089 (VCV005005089.2).